The following is an entry in ClinVar:

ClinVar aggregate classification (germline): Uncertain significance. Review status: criteria provided, multiple submitters, no conflicts (2 of 4 stars). 2 submissions from 2 submitters: Uncertain significance (2). Last evaluated 2025-01-21.

Conditions:
Inborn genetic diseases. Identifiers: MedGen C0950123, MeSH D030342.

Allele frequency attached by ClinVar (database versions not stated): TOPMed 0.00002; gnomAD exomes 0.00003; ExAC 0.00002; ESP Exome Variant Server 0.00008.
gnomAD v4.1: 25 of 1,612,374 alleles (0.0016%); highest among the groups gnomAD compares: Admixed American, 0.0083%; no homozygotes.

Submissions (2):

Ambry Genetics
Classification: Uncertain significance for Inborn genetic diseases. Last evaluated: 2025-01-21. Review status: criteria provided, single submitter. Criteria: Ambry Variant Classification Scheme 2023. Collection method: clinical testing. Allele origin: germline.

Labcorp Genetics (formerly Invitae), Labcorp
Classification: Uncertain significance. Last evaluated: 2022-03-15. Review status: criteria provided, single submitter. Criteria: Invitae Variant Classification Sherloc (09022015). Collection method: clinical testing. Allele origin: germline.
Comment: This sequence change replaces valine, which is neutral and non-polar, with methionine, which is neutral and non-polar, at codon 145 of the GTF2E2 protein (p.Val145Met). This variant is present in population databases (rs369822113, gnomAD 0.01%). This variant has not been reported in the literature in individuals affected with GTF2E2-related conditions. ClinVar contains an entry for this variant (Variation ID: 1026029). Algorithms developed to predict the effect of missense changes on protein structure and function (SIFT, PolyPhen-2, Align-GVGD) all suggest that this variant is likely to be tolerated. In summary, the available evidence is currently insufficient to determine the role of this variant in disease. Therefore, it has been classified as a Variant of Uncertain Significance.

NM_002095.6(GTF2E2):c.433G>A (p.Val145Met)

Gene: GTF2E2 (general transcription factor IIE subunit 2; minus strand). Cytogenetic location: 8p12.
Variant type: single nucleotide variant.
Coding change: c.433G>A on transcript NM_002095.6 (MANE Select); coding-DNA position 433, G replaced by A.
Protein change: p.Val145Met; replaces valine 145 with methionine.
Molecular consequence: missense variant.
Genome position (GRCh38, 1-based): chr8:30,612,415, C>T on the plus strand (G>A on the coding strand, the complement: GTF2E2 is on the minus strand). VCF-style: chr8-30612415-C-T. GRCh37 (hg19) VCF-style: chr8-30469932-C-T.
Other names: c.433G>A, p.Val145Met (NM_001348353.1); c.433G>A (NM_002095.4); short protein forms V145M.
Identifiers: ClinVar variation 1026029 (VCV001026029.3), dbSNP rs369822113, ClinGen allele CA4700969.